The following is an entry in ClinVar:

ClinVar aggregate classification (germline): Uncertain significance. Review status: criteria provided, multiple submitters, no conflicts (2 of 4 stars). 2 submissions from 2 submitters: Uncertain significance (2). Last evaluated 2025-01-22.

Conditions:
Early-infantile DEE. Also called: Early infantile epileptic encephalopathy with suppression bursts; Early infantile epileptic encephalopathy; Ohtahara syndrome. Identifiers: Orphanet 1934, MedGen C0393706, MONDO:0800491.

Allele frequency attached by ClinVar (database versions not stated): gnomAD 0.00001; TOPMed 0.00001; ExAC 0.00002; gnomAD exomes 0.00002.
gnomAD v4.1: 15 of 1,514,014 alleles (0.00099%); highest among the groups gnomAD compares: Non-Finnish European, 0.0013%; no homozygotes.

Submissions (2):

Labcorp Genetics (formerly Invitae), Labcorp
Classification: Uncertain significance for Early-infantile DEE. Last evaluated: 2025-01-22. Review status: criteria provided, single submitter. Criteria: Invitae Variant Classification Sherloc (09022015). Collection method: clinical testing. Allele origin: germline.
Comment: This sequence change replaces proline, which is neutral and non-polar, with leucine, which is neutral and non-polar, at codon 65 of the ARHGEF15 protein (p.Pro65Leu). This variant is present in population databases (rs747885678, gnomAD 0.004%). This variant has not been reported in the literature in individuals affected with ARHGEF15-related conditions. ClinVar contains an entry for this variant (Variation ID: 575505). An algorithm developed to predict the effect of missense changes on protein structure and function (PolyPhen-2) suggests that this variant is likely to be disruptive. In summary, the available evidence is currently insufficient to determine the role of this variant in disease. Therefore, it has been classified as a Variant of Uncertain Significance.

Ambry Genetics
Classification: Uncertain significance. Last evaluated: 2023-12-19. Review status: criteria provided, single submitter. Criteria: Ambry Variant Classification Scheme 2023. Collection method: clinical testing. Allele origin: germline.

NM_173728.4(ARHGEF15):c.194C>T (p.Pro65Leu)

Gene: ARHGEF15 (Rho guanine nucleotide exchange factor 15; plus strand). Cytogenetic location: 17p13.1.
Variant type: single nucleotide variant.
Coding change: c.194C>T on transcript NM_173728.4 (MANE Select); coding-DNA position 194, C replaced by T.
Protein change: p.Pro65Leu; replaces proline 65 with leucine.
Molecular consequence: missense variant.
Genome position (GRCh38, 1-based): chr17:8,312,233, C>T. VCF-style: chr17-8312233-C-T. GRCh37 (hg19) VCF-style: chr17-8215551-C-T.
Other names: c.194C>T, p.Pro65Leu (NM_025014.2); short protein forms P65L.
Identifiers: ClinVar variation 575505 (VCV000575505.10), dbSNP rs747885678, ClinGen allele CA8374807.